The following is an entry in ClinVar:

ClinVar aggregate classification (germline): Pathogenic (1 of 4 stars; one submission).

Conditions:
Aortic valve disease 2 (AOVD2). Identifiers: MedGen C3542024, MONDO:0013902, OMIM 614823.

Submission:

Labcorp Genetics (formerly Invitae), Labcorp
Classification: Pathogenic for Aortic valve disease 2. Last evaluated: 2024-06-17. Review status: criteria provided, single submitter. Criteria: Invitae Variant Classification Sherloc (09022015). Collection method: clinical testing. Allele origin: germline.
Comment: This sequence change creates a premature translational stop signal (p.Arg134Alafs*16) in the TBX5 gene. It is expected to result in an absent or disrupted protein product. Loss-of-function variants in TBX5 are known to be pathogenic (PMID: 16183809, 16917909). This variant is not present in population databases (gnomAD no frequency). This variant has not been reported in the literature in individuals affected with TBX5-related conditions. ClinVar contains an entry for this variant (Variation ID: 1453432). For these reasons, this variant has been classified as Pathogenic.

Literature cited by the submitters: PubMed 16183809; PubMed 16917909.

NM_181486.4(TBX5):c.400del (p.Arg134fs)

Gene: TBX5 (T-box transcription factor 5; minus strand). Cytogenetic location: 12q24.21.
Variant type: Deletion.
Coding change: c.400del on transcript NM_181486.4 (MANE Select); coding-DNA position 400, one base deleted (C; older notation c.400delC).
Protein change: p.Arg134fs; shifts the reading frame from arginine 134.
Molecular consequence: frameshift variant.
Genome position (GRCh38, 1-based): chr12:114,398,683, G deleted on the plus strand (C on the coding strand, the reverse complement: TBX5 is on the minus strand); the first of 2 consecutive G bases (chr12:114,398,683-114,398,684); deleting either gives the same sequence. VCF-style (leftmost placement, unchanged base first): chr12-114398682-CG-C. GRCh37 (hg19) VCF-style: chr12-114836487-CG-C.
Other names: c.400del, p.Arg134fs (NM_000192.3); c.250del, p.Arg84fs (NM_080717.4); short protein forms R134fs, R84fs.
Identifiers: ClinVar variation 1453432 (VCV001453432.6), dbSNP rs1408227928, ClinGen allele CA683862762.